The following is an entry in ClinVar:

NM_015272.5(RPGRIP1L):c.2237A>G (p.Tyr746Cys)

Gene: RPGRIP1L (RPGRIP1 like; minus strand). Cytogenetic location: 16q12.2.
Variant type: single nucleotide variant.
Coding change: c.2237A>G on transcript NM_015272.5 (MANE Select); coding-DNA position 2237, A replaced by G.
Protein change: p.Tyr746Cys; replaces tyrosine 746 with cysteine.
Molecular consequence: missense variant.
Genome position (GRCh38, 1-based): chr16:53,649,031, T>C on the plus strand (A>G on the coding strand, the complement: RPGRIP1L is on the minus strand). VCF-style: chr16-53649031-T-C. GRCh37 (hg19) VCF-style: chr16-53682943-T-C.
Other names: c.2237A>G, p.Tyr746Cys (NM_001127897.4, NM_001308334.3, NM_001330538.2); c.2237A>G (NM_015272.2); short protein forms Y746C.
Identifiers: ClinVar variation 3350956 (VCV003350956.3).

ClinVar aggregate classification (germline): Uncertain significance. Review status: criteria provided, multiple submitters, no conflicts (2 of 4 stars). 3 submissions from 3 submitters: Uncertain significance (2). 1 of the submissions does not count toward it. Last evaluated 2025-05-20.

Conditions:
RPGRIP1L-related disorder. Also called: RPGRIP1L-related condition; RPGRIP1L-related disorders. Identifiers: MedGen CN239416.
Inborn genetic diseases. Identifiers: MedGen C0950123, MeSH D030342.

gnomAD v4.1: 5 of 1,613,906 alleles (0.00031%); highest among the groups gnomAD compares: Non-Finnish European, 0.00042%; no homozygotes.

Submissions (3):

Ambry Genetics
Classification: Uncertain significance for Inborn genetic diseases. Last evaluated: 2025-05-20. Review status: criteria provided, single submitter. Criteria: Ambry Variant Classification Scheme 2023. Collection method: clinical testing. Allele origin: germline.

Blueprint Genetics
Classification: Uncertain significance. Last evaluated: 2018-12-14. Review status: criteria provided, single submitter. Criteria: ACMG Guidelines, 2015. Collection method: clinical testing. Allele origin: germline.

PreventionGenetics, part of Exact Sciences
Classification: Uncertain significance for RPGRIP1L-related condition. Last evaluated: 2024-06-12. Review status: no assertion criteria provided. Collection method: clinical testing. Allele origin: germline. Not counted in ClinVar's aggregate classification.
Comment: The RPGRIP1L c.2237A>G variant is predicted to result in the amino acid substitution p.Tyr746Cys. To our knowledge, this variant has not been reported in the literature. This variant is reported in 0.00088% of alleles in individuals of European (Non-Finnish) descent in gnomAD. At this time, the clinical significance of this variant is uncertain due to the absence of conclusive functional and genetic evidence.